The following is an entry in ClinVar:

NM_001363711.2(DUOX2):c.3106G>A (p.Glu1036Lys)

Gene: DUOX2 (dual oxidase 2; minus strand). Cytogenetic location: 15q21.1.
Variant type: single nucleotide variant.
Coding change: c.3106G>A on transcript NM_001363711.2 (MANE Select); coding-DNA position 3106, G replaced by A.
Protein change: p.Glu1036Lys; replaces glutamic acid 1036 with lysine.
Molecular consequence: missense variant.
Genome position (GRCh38, 1-based): chr15:45,100,128, C>T on the plus strand (G>A on the coding strand, the complement: DUOX2 is on the minus strand). VCF-style: chr15-45100128-C-T. GRCh37 (hg19) VCF-style: chr15-45392326-C-T.
Other names: c.3106G>A, p.Glu1036Lys (NM_014080.5); short protein forms E1036K.
Identifiers: ClinVar variation 2971883 (VCV002971883.1), dbSNP rs150219273, ClinGen allele CA7538010.
Genomic context (GRCh38, chr15:45,100,128, plus strand): 5'-ACACGCCAACACAGATGGCCGAGAAGATTGCCACACACACGATGTGCCTCCGGTAGTTCT[C>T]CACGAAGCGCTTGTACTGCTGCAGCTTTTGGGCTAGGAAGCCTCGCTGCATCTTCTCTTG-3'
Protein context (NP_001350640.1, residues 1026-1046): QKLQQYKRFV[Glu1036Lys]NYRRHIVCVA

ClinVar aggregate classification (germline): Uncertain significance (1 of 4 stars; one submission).

Allele frequency attached by ClinVar (database versions not stated): ExAC 0.00003; TOPMed 0.00005; gnomAD 0.00007; ESP Exome Variant Server 0.00015.
gnomAD v4.1: 19 of 1,614,090 alleles (0.0012%); highest among the groups gnomAD compares: African/African-American, 0.023%; no homozygotes.

Submission:

Labcorp Genetics (formerly Invitae), Labcorp
Classification: Uncertain significance. Last evaluated: 2023-12-19. Review status: criteria provided, single submitter. Criteria: Invitae Variant Classification Sherloc (09022015). Collection method: clinical testing. Allele origin: germline.
Comment: This sequence change replaces glutamic acid, which is acidic and polar, with lysine, which is basic and polar, at codon 1036 of the DUOX2 protein (p.Glu1036Lys). This variant is present in population databases (rs150219273, gnomAD 0.04%). This variant has not been reported in the literature in individuals affected with DUOX2-related conditions. Advanced modeling of protein sequence and biophysical properties (such as structural, functional, and spatial information, amino acid conservation, physicochemical variation, residue mobility, and thermodynamic stability) performed at Invitae indicates that this missense variant is expected to disrupt DUOX2 protein function with a positive predictive value of 80%. In summary, the available evidence is currently insufficient to determine the role of this variant in disease. Therefore, it has been classified as a Variant of Uncertain Significance.